The following is an entry in ClinVar:

ClinVar aggregate classification (germline): Uncertain significance (1 of 4 stars; one submission).

Conditions:
Hereditary cancer-predisposing syndrome. Also called: Tumor predisposition; Neoplastic Syndromes, Hereditary; Hereditary Cancer Syndrome; Hereditary neoplastic syndrome. Identifiers: Orphanet 140162, MedGen C0027672, MeSH D009386, MONDO:0015356.

Submission:

Ambry Genetics
Classification: Uncertain significance for Hereditary cancer-predisposing syndrome. Last evaluated: 2025-02-19. Review status: criteria provided, single submitter. Criteria: Ambry Variant Classification Scheme 2023. Collection method: clinical testing. Allele origin: germline.
Comment: The c.2656-2A>G intronic variant results from an A to G substitution two nucleotides upstream from coding exon 20 in the MSH3 gene. This nucleotide position is highly conserved in available vertebrate species. Alterations that disrupt the canonical splice site are expected to result in aberrant splicing. In silico splice site analysis predicts that this alteration will weaken the native splice acceptor site and will result in the creation or strengthening of a novel splice acceptor site. The resulting transcript is predicted to be in-frame and is not expected to trigger nonsense-mediated mRNAdecay; although, direct evidence is unavailable. This nucleotide position is highly conserved in available vertebrate species. Based on the available evidence, the clinical significance of this variant remains unclear.

NM_002439.5(MSH3):c.2656-2A>G

Gene: MSH3 (mutS homolog 3; plus strand). Cytogenetic location: 5q14.1.
Variant type: single nucleotide variant.
Coding change: c.2656-2A>G on transcript NM_002439.5 (MANE Select); the canonical splice acceptor site of the intron before coding-DNA position 2656, A replaced by G.
Molecular consequence: splice acceptor variant.
Genome position (GRCh38, 1-based): chr5:80,813,582, A>G. VCF-style: chr5-80813582-A-G. GRCh37 (hg19) VCF-style: chr5-80109401-A-G.
Identifiers: ClinVar variation 3874936 (VCV003874936.1).